The following is an entry in ClinVar:

ClinVar aggregate classification (germline): Conflicting classifications of pathogenicity. Review status: criteria provided, conflicting classifications (1 of 4 stars). 8 submissions from 8 submitters: Uncertain significance (7); Likely benign (1). Last evaluated 2026-07-06.

Conditions:
MYH7-related disorder. Also called: MYH7-related condition; MYH7-related disease; MYH7-related disorders.
Cardiovascular phenotype. Identifiers: MedGen CN230736.
Cardiomyopathy (CMYO). Also called: Cardiomyopathies. Identifiers: Orphanet 167848, MedGen C0878544, MONDO:0004994, HP:0001638. Inheritance: Various modes of inheritance.
Hypertrophic cardiomyopathy. Also called: HYPERTROPHIC MYOCARDIOPATHY. Identifiers: Orphanet 217569, MedGen C0007194, MeSH D002312, MONDO:0005045, HP:0001639.

Allele frequency attached by ClinVar (database versions not stated): TOPMed 0.00002; ExAC 0.00003; gnomAD exomes 0.00003; gnomAD 0.00004.
gnomAD v4.1: 51 of 1,612,904 alleles (0.0032%); highest among the groups gnomAD compares: South Asian, 0.0099%; no homozygotes.

Submissions (8):

PreventionGenetics, part of Exact Sciences
Classification: Uncertain significance for MYH7-related condition. Last evaluated: 2026-07-06. Review status: criteria provided, single submitter. Criteria: ACMG Guidelines, 2015. Collection method: clinical testing. Allele origin: germline.
Comment: The MYH7 c.5495G>A variant is predicted to result in the amino acid substitution p.Arg1832His. This variant was previously reported in two brothers who presented with skeletal myopathy and left ventricular non-compaction (Moore and Batlivala. 2018. DOI: DOI 10.1016/j.ihjccr.2018.03.003). This variant has been reported in an individual presenting with hypertrophic cardiomyopathy and was interpreted as uncertain (Supplemental Table 21, Harper et al. 2021. PubMed ID: 33495597). It has also been reported in a patient with dilated cardiomyopathy who was also positive for additional variants that may have contributed to the phenotype (Case 36, Table S2, Khan et al. 2021. PubMed ID: 34935411). This variant is reported in 0.0098% of alleles in individuals of South Asian descent in gnomAD. At this time, the clinical significance of this variant is uncertain due to the absence of conclusive functional and genetic evidence.

Labcorp Genetics (formerly Invitae), Labcorp
Classification: Uncertain significance for Hypertrophic cardiomyopathy. Last evaluated: 2025-07-08. Review status: criteria provided, single submitter. Criteria: Invitae Variant Classification Sherloc (09022015). Collection method: clinical testing. Allele origin: germline.
Comment: This sequence change replaces arginine, which is basic and polar, with histidine, which is basic and polar, at codon 1832 of the MYH7 protein (p.Arg1832His). This variant is present in population databases (rs730880820, gnomAD 0.01%). This missense change has been observed in individual(s) with dilated cardiomyopathy, early-onset myopathy, and/or hypertrophic cardiomyopathy (PMID: 34935411, 37652022; internal data). ClinVar contains an entry for this variant (Variation ID: 181283). Invitae Evidence Modeling of protein sequence and biophysical properties (such as structural, functional, and spatial information, amino acid conservation, physicochemical variation, residue mobility, and thermodynamic stability) indicates that this missense variant is expected to disrupt MYH7 protein function with a positive predictive value of 95%. In summary, the available evidence is currently insufficient to determine the role of this variant in disease. Therefore, it has been classified as a Variant of Uncertain Significance.

All of Us Research Program, National Institutes of Health
Classification: Uncertain significance for Cardiomyopathy. Last evaluated: 2023-12-13. Review status: criteria provided, single submitter. Criteria: ACMG Guidelines, 2015. Collection method: clinical testing. Allele origin: germline. Inheritance: Autosomal dominant inheritance. Observed: 5 variant alleles, 5 heterozygotes.
Comment: This missense variant replaces arginine with histidine at codon 1832 of the MYH7 protein. Computational prediction tools indicate that this variant has a neutral impact on protein structure and function. To our knowledge, functional studies have not been performed for this variant. This variant has been reported in one individual affected with hypertrophic cardiomyopathy (PMID: 33495597). It has also been reported in one individual affected with dilated cardiomyopathy who also carried a pathogenic TTN truncation variant (PMID: 34935411). Additionally, this variant has been reported in one individual affected with left ventricular non-compaction (DOI:10.1016/j.ihjccr.2018.03.003). This variant has been identified in 7/250740 chromosomes in the general population by the Genome Aggregation Database (gnomAD). The available evidence is insufficient to determine the role of this variant in disease conclusively. Therefore, this variant is classified as a Variant of Uncertain Significance.

This study involves interpretation of variants in research participants for the purpose of population health screening. Participant phenotype was not available at the time of variant classification. Additional details can be found in publication PMID: 35346344, PMCID: PMC8962531

Color Diagnostics, LLC DBA Color Health
Classification: Uncertain significance for Cardiomyopathy. Last evaluated: 2023-11-16. Review status: criteria provided, single submitter. Criteria: ACMG Guidelines, 2015. Collection method: clinical testing. Allele origin: germline.
Comment: This missense variant replaces arginine with histidine at codon 1832 of the MYH7 protein. Computational prediction tools indicate that this variant has a neutral impact on protein structure and function. To our knowledge, functional studies have not been performed for this variant. This variant has been reported in one individual affected with hypertrophic cardiomyopathy (PMID: 33495597). It has also been reported in one individual affected with dilated cardiomyopathy who also carried a pathogenic TTN truncation variant (PMID: 34935411). Additionally, this variant has been reported in one individual affected with left ventricular non-compaction (DOI:10.1016/j.ihjccr.2018.03.003). This variant has been identified in 7/250740 chromosomes in the general population by the Genome Aggregation Database (gnomAD). The available evidence is insufficient to determine the role of this variant in disease conclusively. Therefore, this variant is classified as a Variant of Uncertain Significance.

Blueprint Genetics
Classification: Likely benign. Last evaluated: 2023-09-26. Review status: criteria provided, single submitter. Criteria: ACMG Guidelines, 2015. Collection method: clinical testing. Allele origin: germline.

Ambry Genetics
Classification: Uncertain significance for Cardiovascular phenotype. Last evaluated: 2023-05-05. Review status: criteria provided, single submitter. Criteria: Ambry Variant Classification Scheme 2023. Collection method: clinical testing. Allele origin: germline.
Comment: The p.R1832H variant (also known as c.5495G>A), located in coding exon 35 of the MYH7 gene, results from a G to A substitution at nucleotide position 5495. The arginine at codon 1832 is replaced by histidine, an amino acid with highly similar properties. This alteration has been reported in a pediatric dilated cardiomyopathy (DCM) cohort; however, clinical details were limited and additional alterations in other cardiac-related genes were identified in this case (Khan RS et al. J Am Heart Assoc, 2022 Jan;11:e022854). This amino acid position is well conserved in available vertebrate species. In addition, the in silico prediction for this alteration is inconclusive. Since supporting evidence is limited at this time, the clinical significance of this alteration remains unclear.

Revvity Omics, Revvity
Classification: Uncertain significance. Last evaluated: 2019-10-15. Review status: criteria provided, single submitter. Criteria: ACMG Guidelines, 2015. Collection method: clinical testing. Allele origin: germline.

GeneDx
Classification: Uncertain significance. Last evaluated: 2019-05-31. Review status: criteria provided, single submitter. Criteria: GeneDx Variant Classification Process June 2021. Collection method: clinical testing. Allele origin: germline. Affected: yes.
Comment: Reported in two brothers with LVNC and skeletal myopathy (Moore and Batlivala, 2018); In silico analysis, which includes protein predictors and evolutionary conservation, supports a deleterious effect

Literature cited by the submitters: PubMed 34935411 (cited by 4 submitters); PubMed 37652022 (cited by Labcorp Genetics (formerly Invitae), Labcorp); PubMed 33495597 (cited by All of Us Research Program, National Institutes of Health and Color Diagnostics, LLC DBA Color Health).

NM_000257.4(MYH7):c.5495G>A (p.Arg1832His)

Gene: MYH7 (myosin heavy chain 7; minus strand). Cytogenetic location: 14q11.2.
Variant type: single nucleotide variant.
Coding change: c.5495G>A on transcript NM_000257.4 (MANE Select); coding-DNA position 5495, G replaced by A.
Protein change: p.Arg1832His; replaces arginine 1832 with histidine.
Molecular consequence: missense variant.
Genome position (GRCh38, 1-based): chr14:23,415,059, C>T on the plus strand (G>A on the coding strand, the complement: MYH7 is on the minus strand). VCF-style: chr14-23415059-C-T. GRCh37 (hg19) VCF-style: chr14-23884268-C-T.
Other names: p.R1832H:CGC>CAC; c.5495G>A (LRG_384t1); short protein forms R1832H.
Identifiers: ClinVar variation 181283 (VCV000181283.23), dbSNP rs730880820, ClinGen allele CA016140.
Genomic context (GRCh38, chr14:23,415,059, plus strand): 5'-TAGGTGAGCTCCTTGATGCGCCGCTCGCTCTTCCTCATGCCCTTCACCGACTCTGCGTTG[C>T]GCTTCTGCTCGGCCTCCAGCTCATTCTCCAGCTCCCGCACCCGCGCTTCCAGCTTCTGCA-3'
Protein context (NP_000248.2, residues 1822-1842): LENELEAEQK[Arg1832His]NAESVKGMRK